The following is an entry in ClinVar:

ClinVar aggregate classification (germline): Uncertain significance (1 of 4 stars; one submission).

Submission:

Ambry Genetics
Classification: Uncertain significance. Last evaluated: 2025-02-24. Review status: criteria provided, single submitter. Criteria: Ambry Variant Classification Scheme 2023. Collection method: clinical testing. Allele origin: germline.
Comment: The p.L82F variant (also known as c.246G>T), located in coding exon 1 of the MC1R gene, results from a G to T substitution at nucleotide position 246. The leucine at codon 82 is replaced by phenylalanine, an amino acid with highly similar properties. This amino acid position is conserved. In addition, this alteration is predicted to be tolerated by in silico analysis. Based on the available evidence, the clinical significance of this variant remains unclear.

NM_002386.4(MC1R):c.246G>T (p.Leu82Phe)

Gene: MC1R (melanocortin 1 receptor; plus strand). Cytogenetic location: 16q24.3.
Variant type: single nucleotide variant.
Coding change: c.246G>T on transcript NM_002386.4 (MANE Select); coding-DNA position 246, G replaced by T.
Protein change: p.Leu82Phe; replaces leucine 82 with phenylalanine.
Molecular consequence: missense variant.
Genome position (GRCh38, 1-based): chr16:89,919,504, G>T. VCF-style: chr16-89919504-G-T. GRCh37 (hg19) VCF-style: chr16-89985912-G-T.
Other names: short protein forms L82F.
Identifiers: ClinVar variation 3871127 (VCV003871127.1).